The following is an entry in ClinVar:

NM_019098.5(CNGB3):c.639_643+42del

Gene: CNGB3 (cyclic nucleotide gated channel subunit beta 3; minus strand). Cytogenetic location: 8q21.3.
Variant type: Deletion.
Coding change: c.639_643+42del on transcript NM_019098.5 (MANE Select); coding-DNA position 639 through 42 bases into the intron after coding-DNA position 643, 47 bases deleted.
Molecular consequence: splice donor variant.
Genome position (GRCh38, 1-based): chr8:86,667,977-86,668,023, 47 bases deleted; deleting any 47 consecutive bases within chr8:86,667,977-86,668,025 gives the same sequence; the c. name uses the placement nearest the transcript's 3' end. GRCh37 (hg19): chr8:87,680,207-87,680,253.
Identifiers: ClinVar variation 2839894 (VCV002839894.3), dbSNP rs2538126079, ClinGen allele CA2739268854.

ClinVar aggregate classification (germline): Likely pathogenic (1 of 4 stars; one submission).

Submission:

Labcorp Genetics (formerly Invitae), Labcorp
Classification: Likely pathogenic. Last evaluated: 2023-02-22. Review status: criteria provided, single submitter. Criteria: Invitae Variant Classification Sherloc (09022015). Collection method: clinical testing. Allele origin: germline.
Comment: In summary, the currently available evidence indicates that the variant is pathogenic, but additional data are needed to prove that conclusively. Therefore, this variant has been classified as Likely Pathogenic. Algorithms developed to predict the effect of sequence changes on RNA splicing suggest that this variant may disrupt the consensus splice site. This variant has not been reported in the literature in individuals affected with CNGB3-related conditions. This variant is not present in population databases (gnomAD no frequency). This variant results in the deletion of part of exon 5 (c.639_643+42del) of the CNGB3 gene. It is expected to disrupt RNA splicing. Variants that disrupt the donor or acceptor splice site typically lead to a loss of protein function (PMID: 16199547), and loss-of-function variants in CNGB3 are known to be pathogenic (PMID: 28795510).

Literature cited by the submitters: PubMed 16199547; PubMed 28795510.